The following is an entry in ClinVar:

ClinVar aggregate classification (germline): Uncertain significance. Review status: criteria provided, multiple submitters, no conflicts (2 of 4 stars). 2 submissions from 2 submitters: Uncertain significance (2). Last evaluated 2024-04-15.

Conditions:
Inborn genetic diseases. Identifiers: MedGen C0950123, MeSH D030342.

Allele frequency attached by ClinVar (database versions not stated): TOPMed 0.00005; gnomAD 0.00002.
gnomAD v4.1: 7 of 1,612,706 alleles (0.00043%); highest among the groups gnomAD compares: African/African-American, 0.008%; no homozygotes.

Submissions (2):

Ambry Genetics
Classification: Uncertain significance for Inborn genetic diseases. Last evaluated: 2024-04-15. Review status: criteria provided, single submitter. Criteria: Ambry Variant Classification Scheme 2023. Collection method: clinical testing. Allele origin: germline.

Labcorp Genetics (formerly Invitae), Labcorp
Classification: Uncertain significance. Last evaluated: 2024-02-12. Review status: criteria provided, single submitter. Criteria: Invitae Variant Classification Sherloc (09022015). Collection method: clinical testing. Allele origin: germline.
Comment: This sequence change replaces leucine, which is neutral and non-polar, with valine, which is neutral and non-polar, at codon 567 of the BMP1 protein (p.Leu567Val). This variant is not present in population databases (gnomAD no frequency). This variant has not been reported in the literature in individuals affected with BMP1-related conditions. ClinVar contains an entry for this variant (Variation ID: 2080477). Advanced modeling of protein sequence and biophysical properties (such as structural, functional, and spatial information, amino acid conservation, physicochemical variation, residue mobility, and thermodynamic stability) performed at Invitae indicates that this missense variant is not expected to disrupt BMP1 protein function with a negative predictive value of 80%. In summary, the available evidence is currently insufficient to determine the role of this variant in disease. Therefore, it has been classified as a Variant of Uncertain Significance.

NM_006129.5(BMP1):c.1699C>G (p.Leu567Val)

Genes: BMP1 (bone morphogenetic protein 1; plus strand), LOC113788269 (BRD4-independent group 4 enhancer GRCh37_chr8:22052064-22053263; plus strand). Cytogenetic location: 8p21.3.
Variant type: single nucleotide variant.
Coding change: c.1699C>G on transcript NM_006129.5 (MANE Select); coding-DNA position 1699, C replaced by G.
Protein change: p.Leu567Val; replaces leucine 567 with valine.
Molecular consequence: missense variant. On other transcripts: non-coding transcript variant (2).
Genome position (GRCh38, 1-based): chr8:22,195,521, C>G. VCF-style: chr8-22195521-C-G. GRCh37 (hg19) VCF-style: chr8-22053034-C-G.
Other names: c.1699C>G (NM_006129.4); c.1699C>G, p.Leu567Val (NM_001199.4); short protein forms L567V.
Identifiers: ClinVar variation 2080477 (VCV002080477.4), dbSNP rs1009715821, ClinGen allele CA173465979.
Genomic context (GRCh38, chr8:22,195,521, plus strand): 5'-GAGGTGGACGAGTGCTCTCGGCCCAACCGCGGGGGCTGTGAGCAGCGGTGCCTCAACACC[C>G]TGGGCAGCTACAAGTGCAGCTGTGACCCCGGGTACGAGCTGGCCCCAGACAAGCGCCGCT-3'
Protein context (NP_006120.1, residues 557-577): GGCEQRCLNT[Leu567Val]GSYKCSCDPG